The following is an entry in ClinVar:

ClinVar aggregate classification (germline): Uncertain significance. Review status: criteria provided, multiple submitters, no conflicts (2 of 4 stars). 2 submissions from 2 submitters: Uncertain significance (2). Last evaluated 2024-05-28.

Conditions:
Inborn genetic diseases. Identifiers: MedGen C0950123, MeSH D030342.

Allele frequency attached by ClinVar (database versions not stated): gnomAD 0.00002; ExAC 0.00002; gnomAD exomes 0.00002; TOPMed 0.00003.
gnomAD v4.1: 68 of 1,614,034 alleles (0.0042%); highest among the groups gnomAD compares: Non-Finnish European, 0.0053%; no homozygotes.

Submissions (2):

Ambry Genetics
Classification: Uncertain significance for Inborn genetic diseases. Last evaluated: 2024-05-28. Review status: criteria provided, single submitter. Criteria: Ambry Variant Classification Scheme 2023. Collection method: clinical testing. Allele origin: germline.

GeneDx
Classification: Uncertain significance. Last evaluated: 2019-10-13. Review status: criteria provided, single submitter. Criteria: GeneDx Variant Classification Process June 2021. Collection method: clinical testing. Allele origin: germline. Affected: yes.
Comment: Not observed at a significant frequency in large population cohorts (Lek et al., 2016); In silico analysis, which includes protein predictors and evolutionary conservation, supports a deleterious effect; Has not been previously published as pathogenic or benign to our knowledge

NM_001160372.4(TRAPPC9):c.998A>G (p.Tyr333Cys)

Gene: TRAPPC9 (trafficking protein particle complex subunit 9; minus strand). Cytogenetic location: 8q24.3.
Variant type: single nucleotide variant.
Coding change: c.998A>G on transcript NM_001160372.4 (MANE Select); coding-DNA position 998, A replaced by G.
Protein change: p.Tyr333Cys; replaces tyrosine 333 with cysteine.
Molecular consequence: missense variant. On other transcripts: non-coding transcript variant (1).
Genome position (GRCh38, 1-based): chr8:140,405,587, T>C on the plus strand (A>G on the coding strand, the complement: TRAPPC9 is on the minus strand). VCF-style: chr8-140405587-T-C. GRCh37 (hg19) VCF-style: chr8-141415686-T-C.
Other names: c.971A>G, p.Tyr324Cys (NM_001321646.2); c.1019A>G, p.Tyr340Cys (NM_001374682.1); c.998A>G, p.Tyr333Cys (NM_001374683.1, NM_001374684.1, NM_031466.8); short protein forms Y324C, Y333C, Y340C.
Identifiers: ClinVar variation 1309098 (VCV001309098.3), dbSNP rs774789206, ClinGen allele CA4893574.